The following is an entry in ClinVar:

ClinVar aggregate classification (germline): Uncertain significance. Review status: criteria provided, multiple submitters, no conflicts (2 of 4 stars). 2 submissions from 2 submitters: Uncertain significance (2). Last evaluated 2024-03-14.

Allele frequency attached by ClinVar (database versions not stated): gnomAD exomes below 0.00001 and 0.00001; TOPMed 0.00002; gnomAD 0.00003.
gnomAD v4.1: 15 of 1,613,802 alleles (0.00093%); highest among the groups gnomAD compares: Non-Finnish European, 0.0013%; no homozygotes.

Submissions (2):

Ambry Genetics
Classification: Uncertain significance. Last evaluated: 2024-03-14. Review status: criteria provided, single submitter. Criteria: Ambry Variant Classification Scheme 2023. Collection method: clinical testing. Allele origin: germline.
Comment: The p.S309N variant (also known as c.926G>A), located in coding exon 9 of the FAM175A gene, results from a G to A substitution at nucleotide position 926. The serine at codon 309 is replaced by asparagine, an amino acid with highly similar properties. This amino acid position is conserved. In addition, this alteration is predicted to be tolerated by in silico analysis. Since supporting evidence is limited at this time, the clinical significance of this alteration remains unclear.

Labcorp Genetics (formerly Invitae), Labcorp
Classification: Uncertain significance. Last evaluated: 2022-11-15. Review status: criteria provided, single submitter. Criteria: Invitae Variant Classification Sherloc (09022015). Collection method: clinical testing. Allele origin: germline.
Comment: In summary, the available evidence is currently insufficient to determine the role of this variant in disease. Therefore, it has been classified as a Variant of Uncertain Significance. Advanced modeling of protein sequence and biophysical properties (such as structural, functional, and spatial information, amino acid conservation, physicochemical variation, residue mobility, and thermodynamic stability) performed at Invitae indicates that this missense variant is not expected to disrupt ABRAXAS1 protein function. ClinVar contains an entry for this variant (Variation ID: 411317). This variant has not been reported in the literature in individuals affected with ABRAXAS1-related conditions. This variant is present in population databases (no rsID available, gnomAD 0.0009%). This sequence change replaces serine, which is neutral and polar, with asparagine, which is neutral and polar, at codon 309 of the ABRAXAS1 protein (p.Ser309Asn).

NM_139076.3(ABRAXAS1):c.926G>A (p.Ser309Asn)

Gene: ABRAXAS1 (abraxas 1, BRCA1 A complex subunit; minus strand). Cytogenetic location: 4q21.23.
Variant type: single nucleotide variant.
Coding change: c.926G>A on transcript NM_139076.3 (MANE Select); coding-DNA position 926, G replaced by A.
Protein change: p.Ser309Asn; replaces serine 309 with asparagine.
Molecular consequence: missense variant.
Genome position (GRCh38, 1-based): chr4:83,462,773, C>T on the plus strand (G>A on the coding strand, the complement: ABRAXAS1 is on the minus strand). VCF-style: chr4-83462773-C-T. GRCh37 (hg19) VCF-style: chr4-84383926-C-T.
Other names: c.599G>A, p.Ser200Asn (NM_001345962.2); short protein forms S309N, S200N.
Identifiers: ClinVar variation 411317 (VCV000411317.12), dbSNP rs1060503251, ClinGen allele CA16611537.